The following is an entry in ClinVar:

NM_032634.4(PIGO):c.3169G>T (p.Val1057Leu)

Gene: PIGO (phosphatidylinositol glycan anchor biosynthesis class O; minus strand). Cytogenetic location: 9p13.3.
Variant type: single nucleotide variant.
Coding change: c.3169G>T on transcript NM_032634.4 (MANE Select); coding-DNA position 3169, G replaced by T.
Protein change: p.Val1057Leu; replaces valine 1057 with leucine.
Molecular consequence: missense variant.
Genome position (GRCh38, 1-based): chr9:35,089,193, C>A on the plus strand (G>T on the coding strand, the complement: PIGO is on the minus strand). VCF-style: chr9-35089193-C-A. GRCh37 (hg19) VCF-style: chr9-35089190-C-A.
Other names: c.1918G>T, p.Val640Leu (NM_001201484.2, NM_152850.4); short protein forms V640L, V1057L.
Identifiers: ClinVar variation 1370116 (VCV001370116.8), dbSNP rs1374835915, ClinGen allele CA373317091.

ClinVar aggregate classification (germline): Uncertain significance (1 of 4 stars; one submission).

Conditions:
Hyperphosphatasia with impaired intellectual development syndrome 2. Also called: Hyperphosphatasia with intellectual disability syndrome 2; GLYCOSYLPHOSPHATIDYLINOSITOL BIOSYNTHESIS DEFECT 6. Identifiers: Orphanet 247262, MedGen C3553637, MONDO:0013882, OMIM 614749.

Allele frequency attached by ClinVar (database versions not stated): gnomAD exomes below 0.00001; TOPMed below 0.00001; gnomAD 0.00001.
gnomAD v4.1: 4 of 1,614,060 alleles (0.00025%); highest among the groups gnomAD compares: African/African-American, 0.004%; no homozygotes.

Submission:

Labcorp Genetics (formerly Invitae), Labcorp
Classification: Uncertain significance for Hyperphosphatasia with impaired intellectual development syndrome 2. Last evaluated: 2021-02-05. Review status: criteria provided, single submitter. Criteria: Invitae Variant Classification Sherloc (09022015). Collection method: clinical testing. Allele origin: germline.
Comment: In summary, the available evidence is currently insufficient to determine the role of this variant in disease. Therefore, it has been classified as a Variant of Uncertain Significance. This sequence change replaces valine with leucine at codon 1057 of the PIGO protein (p.Val1057Leu). The valine residue is highly conserved and there is a small physicochemical difference between valine and leucine. This variant is not present in population databases (ExAC no frequency). This variant has not been reported in the literature in individuals with PIGO-related conditions. Algorithms developed to predict the effect of missense changes on protein structure and function are either unavailable or do not agree on the potential impact of this missense change (SIFT: "Deleterious"; PolyPhen-2: "Possibly Damaging"; Align-GVGD: "Class C0").